The following is an entry in ClinVar:

ClinVar aggregate classification (germline): Uncertain significance. Review status: criteria provided, multiple submitters, no conflicts (2 of 4 stars). 3 submissions from 3 submitters: Uncertain significance (3). Last evaluated 2024-06-15.

Conditions:
Hereditary cancer-predisposing syndrome. Also called: Neoplastic Syndromes, Hereditary; Tumor predisposition; Hereditary neoplastic syndrome; Hereditary Cancer Syndrome. Identifiers: Orphanet 140162, MedGen C0027672, MeSH D009386, MONDO:0015356.
Familial adenomatous polyposis 1 (FAP1). Also called: POLYPOSIS, ADENOMATOUS INTESTINAL; FAMILIAL ADENOMATOUS POLYPOSIS 1, ATTENUATED. Identifiers: MedGen C2713442, MONDO:0021056, OMIM 175100. Disease mechanism: loss of function.

Allele frequency attached by ClinVar (database versions not stated): gnomAD exomes below 0.00001 and 0.00002; gnomAD 0.00001.
gnomAD v4.1: 28 of 1,613,288 alleles (0.0017%); highest among the groups gnomAD compares: Non-Finnish European, 0.0024%; no homozygotes.

Submissions (3):

Labcorp Genetics (formerly Invitae), Labcorp
Classification: Uncertain significance for Familial adenomatous polyposis 1. Last evaluated: 2024-06-15. Review status: criteria provided, single submitter. Criteria: Invitae Variant Classification Sherloc (09022015). Collection method: clinical testing. Allele origin: germline.
Comment: This sequence change replaces alanine, which is neutral and non-polar, with valine, which is neutral and non-polar, at codon 571 of the APC protein (p.Ala571Val). This variant is present in population databases (no rsID available, gnomAD 0.002%). This variant has not been reported in the literature in individuals affected with APC-related conditions. ClinVar contains an entry for this variant (Variation ID: 629274). Advanced modeling of protein sequence and biophysical properties (such as structural, functional, and spatial information, amino acid conservation, physicochemical variation, residue mobility, and thermodynamic stability) performed at Invitae indicates that this missense variant is not expected to disrupt APC protein function with a negative predictive value of 95%. In summary, the available evidence is currently insufficient to determine the role of this variant in disease. Therefore, it has been classified as a Variant of Uncertain Significance.

Color Diagnostics, LLC DBA Color Health
Classification: Uncertain significance for Hereditary cancer-predisposing syndrome. Last evaluated: 2023-12-05. Review status: criteria provided, single submitter. Criteria: ACMG Guidelines, 2015. Collection method: clinical testing. Allele origin: germline.
Comment: This missense variant replaces alanine with valine at codon 571 of the APC protein. Computational prediction suggests that this variant may not impact protein structure and function (internally defined REVEL score threshold <= 0.5, PMID: 27666373). To our knowledge, functional studies have not been reported for this variant. This variant has not been reported in individuals affected with APC-related disorders in the literature. This variant has been identified in 2/282730 chromosomes in the general population by the Genome Aggregation Database (gnomAD). The available evidence is insufficient to determine the role of this variant in disease conclusively. Therefore, this variant is classified as a Variant of Uncertain Significance.

Ambry Genetics
Classification: Uncertain significance for Hereditary cancer-predisposing syndrome. Last evaluated: 2023-11-22. Review status: criteria provided, single submitter. Criteria: Ambry Variant Classification Scheme 2023. Collection method: clinical testing. Allele origin: germline.
Comment: The p.A571V variant (also known as c.1712C>T), located in coding exon 13 of the APC gene, results from a C to T substitution at nucleotide position 1712. The alanine at codon 571 is replaced by valine, an amino acid with similar properties. This amino acid position is highly conserved in available vertebrate species. In addition, in silico predictors for this gene do not accurately predict pathogenicity. Since supporting evidence is limited at this time, the clinical significance of this alteration remains unclear.

NM_000038.6(APC):c.1712C>T (p.Ala571Val)

Gene: APC (APC regulator of Wnt signaling pathway; plus strand). Cytogenetic location: 5q22.2.
Variant type: single nucleotide variant.
Coding change: c.1712C>T on transcript NM_000038.6 (MANE Select); coding-DNA position 1712, C replaced by T.
Protein change: p.Ala571Val; replaces alanine 571 with valine.
Molecular consequence: missense variant.
Genome position (GRCh38, 1-based): chr5:112,828,941, C>T. VCF-style: chr5-112828941-C-T. GRCh37 (hg19) VCF-style: chr5-112164638-C-T.
Other names: c.1712C>T, p.Ala571Val (NM_001127510.3, NM_001354895.2); c.1658C>T, p.Ala553Val (NM_001127511.3); c.1766C>T, p.Ala589Val (NM_001354896.2); c.1742C>T, p.Ala581Val (NM_001354897.2); c.1637C>T, p.Ala546Val (NM_001354898.2); c.1628C>T, p.Ala543Val (NM_001354899.2); c.1589C>T, p.Ala530Val (NM_001354900.2); c.1535C>T, p.Ala512Val (NM_001354901.2); and 5 more; short protein forms A553V, A571V, A288V, A530V, A546V, A470V, A480V, A543V.
Identifiers: ClinVar variation 629274 (VCV000629274.13), dbSNP rs1413470754, ClinGen allele CA16025051.